The following is an entry in ClinVar:

NM_005267.5(GJA8):c.189C>G (p.Asn63Lys)

Gene: GJA8 (gap junction protein alpha 8; plus strand). Cytogenetic location: 1q21.2.
Variant type: single nucleotide variant.
Coding change: c.189C>G on transcript NM_005267.5 (MANE Select); coding-DNA position 189, C replaced by G.
Protein change: p.Asn63Lys; replaces asparagine 63 with lysine.
Molecular consequence: missense variant.
Genome position (GRCh38, 1-based): chr1:147,908,144, C>G. VCF-style: chr1-147908144-C-G. GRCh37 (hg19) VCF-style: chr1-147380271-C-G.
Other names: short protein forms N63K.
Identifiers: ClinVar variation 1709242 (VCV001709242.2), dbSNP rs962664876, ClinGen allele CA342223463.

ClinVar aggregate classification (germline): Uncertain significance (1 of 4 stars; one submission).

Conditions:
Cataract 1 multiple types. Also called: CATARACT, DUFFY-LINKED; CATARACT 1, POSTERIOR SUBCAPSULAR, WITH MICROCORNEA; CATARACT 1, STELLATE NUCLEAR, WITH MICROCORNEA; CATARACT 1, MULTIPLE TYPES, WITH OR WITHOUT MICROCORNEA; CATARACT 1, NUCLEAR PROGRESSIVE; CATARACT 1 WITH MICROCORNEA. Identifiers: Orphanet 1377, MedGen C1861828, MONDO:0007285, OMIM 116200.

Submission:

MGZ Medical Genetics Center
Classification: Uncertain significance for Cataract 1 multiple types. Last evaluated: 2022-03-04. Review status: criteria provided, single submitter. Criteria: ACMG Guidelines, 2015. Collection method: clinical testing. Allele origin: germline. Affected: yes. Observed: 1 variant allele.
Comment: ACMG criteria applied: PM1, PM2_SUP, PP3